The following is an entry in ClinVar:

ClinVar aggregate classification (germline): Uncertain significance. Review status: criteria provided, multiple submitters, no conflicts (2 of 4 stars). 2 submissions from 2 submitters: Uncertain significance (2). Last evaluated 2026-05-20.

Conditions:
Inborn genetic diseases. Identifiers: MedGen C0950123, MeSH D030342.
IFT74-related disorder. Also called: IFT74-related condition; IFT74-Related Disorders.

gnomAD v4.1: 1 of 1,608,928 alleles (0.000062%); highest among the groups gnomAD compares: South Asian, 0.0011%; no homozygotes.

Submissions (2):

PreventionGenetics, part of Exact Sciences
Classification: Uncertain significance for IFT74-related condition. Last evaluated: 2026-05-20. Review status: criteria provided, single submitter. Criteria: ACMG Guidelines, 2015. Collection method: clinical testing. Allele origin: germline.
Comment: The IFT74 c.1760A>G variant is predicted to result in the amino acid substitution p.Asn587Ser. To our knowledge, this variant has not been reported in the literature or in a large population database (gnomAD), indicating this variant is rare. At this time, the clinical significance of this variant is uncertain due to the absence of conclusive functional and genetic evidence.

Ambry Genetics
Classification: Uncertain significance for Inborn genetic diseases. Last evaluated: 2026-04-06. Review status: criteria provided, single submitter. Criteria: Ambry Variant Classification Scheme 2023. Collection method: clinical testing. Allele origin: germline.

NM_025103.4(IFT74):c.1760A>G (p.Asn587Ser)

Gene: IFT74 (intraflagellar transport 74; plus strand). Cytogenetic location: 9p21.2.
Variant type: single nucleotide variant.
Coding change: c.1760A>G on transcript NM_025103.4 (MANE Select); coding-DNA position 1760, A replaced by G.
Protein change: p.Asn587Ser; replaces asparagine 587 with serine.
Molecular consequence: missense variant. On other transcripts: 3 prime UTR variant (1).
Genome position (GRCh38, 1-based): chr9:27,062,693, A>G. VCF-style: chr9-27062693-A-G. GRCh37 (hg19) VCF-style: chr9-27062691-A-G.
Other names: c.1760A>G, p.Asn587Ser (NM_001099222.3, NM_001099223.3); c.*696A>G (NM_001349928.2); c.1760A>G (NM_025103.2); short protein forms N587S.
Identifiers: ClinVar variation 4858419 (VCV004858419.2).